The following is an entry in ClinVar:

NM_000256.3(MYBPC3):c.222del (p.Asp75fs)

Gene: MYBPC3 (myosin binding protein C3; minus strand). Cytogenetic location: 11p11.2.
Variant type: Deletion.
Coding change: c.222del on transcript NM_000256.3 (MANE Select); coding-DNA position 222, one base deleted (C; older notation c.222delC).
Protein change: p.Asp75fs; shifts the reading frame from aspartic acid 75.
Molecular consequence: frameshift variant.
Genome position (GRCh38, 1-based): chr11:47,351,309, G deleted on the plus strand (C on the coding strand, the reverse complement: MYBPC3 is on the minus strand); the first of 2 consecutive G bases (chr11:47,351,309-47,351,310); deleting either gives the same sequence. VCF-style (leftmost placement, unchanged base first): chr11-47351308-CG-C. GRCh37 (hg19) VCF-style: chr11-47372859-CG-C.
Other names: short protein forms D75fs.
Identifiers: ClinVar variation 4727303 (VCV004727303.1).

ClinVar aggregate classification (germline): Pathogenic (1 of 4 stars; one submission).

Conditions:
Hypertrophic cardiomyopathy. Also called: HYPERTROPHIC MYOCARDIOPATHY. Identifiers: Orphanet 217569, MedGen C0007194, MeSH D002312, MONDO:0005045, HP:0001639.

Submission:

Labcorp Genetics (formerly Invitae), Labcorp
Classification: Pathogenic for Hypertrophic cardiomyopathy. Last evaluated: 2025-11-02. Review status: criteria provided, single submitter. Criteria: Invitae Variant Classification Sherloc (09022015). Collection method: clinical testing. Allele origin: germline.
Comment: This sequence change creates a premature translational stop signal (p.Asp75Thrfs*21) in the MYBPC3 gene. It is expected to result in an absent or disrupted protein product. Loss-of-function variants in MYBPC3 are known to be pathogenic (PMID: 19574547). This variant is not present in population databases (gnomAD no frequency). This variant has not been reported in the literature in individuals affected with MYBPC3-related conditions. For these reasons, this variant has been classified as Pathogenic.

Literature cited by the submitters: PubMed 19574547.